The following is an entry in ClinVar:

ClinVar aggregate classification (germline): Likely benign. Review status: criteria provided, multiple submitters, no conflicts (2 of 4 stars). 3 submissions from 3 submitters: Likely benign (3). Last evaluated 2025-10-29.

Conditions:
Hypertrophic cardiomyopathy 14. Identifiers: MedGen C2750467, MONDO:0013197, OMIM 613251.
MYH6-related disorder. Also called: MYH6-related condition; MYH6-Related Disorders.
Cardiovascular phenotype. Identifiers: MedGen CN230736.

Allele frequency attached by ClinVar (database versions not stated): gnomAD 0.00006; ESP Exome Variant Server 0.00008.
gnomAD v4.1: 74 of 1,613,994 alleles (0.0046%); highest among the groups gnomAD compares: Admixed American, 0.013%; no homozygotes.

Submissions (3):

Labcorp Genetics (formerly Invitae), Labcorp
Classification: Likely benign for Hypertrophic cardiomyopathy 14. Last evaluated: 2025-10-29. Review status: criteria provided, single submitter. Criteria: Invitae Variant Classification Sherloc (09022015). Collection method: clinical testing. Allele origin: germline.

PreventionGenetics, part of Exact Sciences
Classification: Likely benign for MYH6-related condition. Last evaluated: 2025-04-29. Review status: criteria provided, single submitter. Criteria: ACMG Guidelines, 2015. Collection method: clinical testing. Allele origin: germline.
Comment: This variant is classified as likely benign based on ACMG/AMP sequence variant interpretation guidelines (Richards et al. 2015 PMID: 25741868, with internal and published modifications).

Ambry Genetics
Classification: Likely benign for Cardiovascular phenotype. Last evaluated: 2021-08-23. Review status: criteria provided, single submitter. Criteria: Ambry Variant Classification Scheme 2023. Collection method: clinical testing. Allele origin: germline.

NM_002471.4(MYH6):c.4455G>A (p.Lys1485=)

Gene: MYH6 (myosin heavy chain 6; minus strand). Cytogenetic location: 14q11.2.
Variant type: single nucleotide variant.
Coding change: c.4455G>A on transcript NM_002471.4 (MANE Select); coding-DNA position 4455, G replaced by A.
Protein change: p.Lys1485=; no amino-acid change (lysine 1485 retained).
Molecular consequence: synonymous variant.
Genome position (GRCh38, 1-based): chr14:23,387,828, C>T on the plus strand (G>A on the coding strand, the complement: MYH6 is on the minus strand). VCF-style: chr14-23387828-C-T. GRCh37 (hg19) VCF-style: chr14-23857037-C-T.
Identifiers: ClinVar variation 1097653 (VCV001097653.12), dbSNP rs376316942, ClinGen allele CA7114760.
Genomic context (GRCh38, chr14:23,387,828, plus strand): 5'-CTTGTTCTCCCGCTTGAAGGTCTCTAGGTGCTCCAGGGACTCCTCGTAGGCGTTCTTGAG[C>T]TTGAAGAGCTCTGTGCTGAGGGAGCGAGCCTCCTTCTGTGAGGACTCCAGCTCAGACTGC-3'
Protein context (NP_002462.2, residues 1475-1495): EARSLSTELF[Lys1485=]LKNAYEESLE